The following is an entry in ClinVar:

ClinVar aggregate classification (germline): Benign (0 of 4 stars; one submission).

Conditions:
NOL3-related disorder. Also called: NOL3-related condition.

Allele frequency attached by ClinVar (database versions not stated): gnomAD exomes 0.00030; ExAC 0.00095; 1000 Genomes Project 0.00260; 1000 Genomes Project 30x 0.00281; gnomAD 0.00323; TOPMed 0.00349; ESP Exome Variant Server 0.00362.
gnomAD v4.1: 950 of 1,614,146 alleles (0.059%); highest among the groups gnomAD compares: African/African-American, 1.2%; 11 homozygotes.

Submission:

PreventionGenetics, part of Exact Sciences
Classification: Benign for NOL3-related condition. Last evaluated: 2019-04-11. Review status: no assertion criteria provided. Collection method: clinical testing. Allele origin: germline.
Comment: This variant is classified as benign based on ACMG/AMP sequence variant interpretation guidelines (Richards et al. 2015 PMID: 25741868, with internal and published modifications).

NM_001276309.3(NOL3):c.*50G>A

Gene: NOL3 (nucleolar protein 3; plus strand). Cytogenetic location: 16q22.1.
Variant type: single nucleotide variant.
Coding change: c.*50G>A on transcript NM_001276309.3 (MANE Select); 50 bases downstream of the stop codon, G replaced by A.
Molecular consequence: 3 prime UTR variant.
Genome position (GRCh38, 1-based): chr16:67,175,104, G>A. VCF-style: chr16-67175104-G-A. GRCh37 (hg19) VCF-style: chr16-67209007-G-A.
Other names: c.*7G>A (NM_001185057.3, NM_001276311.2, NM_001394974.1 and 5 more transcripts); c.*50G>A (NM_001276307.3, NM_001276312.3, NM_001394973.1 and 1 more transcripts).
Identifiers: ClinVar variation 3051480 (VCV003051480.2), dbSNP rs2233460, ClinGen allele CA8102448.